The following is an entry in ClinVar:

NM_017841.4(SDHAF2):c.124del (p.Asp42fs)

Gene: SDHAF2 (succinate dehydrogenase complex assembly factor 2; plus strand). Cytogenetic location: 11q12.2.
Variant type: Deletion.
Coding change: c.124del on transcript NM_017841.4 (MANE Select); coding-DNA position 124, one base deleted (G; older notation c.124delG).
Protein change: p.Asp42fs; shifts the reading frame from aspartic acid 42.
Molecular consequence: frameshift variant.
Genome position (GRCh38, 1-based): chr11:61,437,712, G deleted. VCF-style (leftmost placement, unchanged base first): chr11-61437711-AG-A. GRCh37 (hg19) VCF-style: chr11-61205183-AG-A.
Other names: c.124delG (NM_017841.2); short protein forms D42fs.
Identifiers: ClinVar variation 1069215 (VCV001069215.12), dbSNP rs2134892263, ClinGen allele CA2499221099.

ClinVar aggregate classification (germline): Pathogenic/Likely pathogenic. Review status: criteria provided, multiple submitters, no conflicts (2 of 4 stars). 3 submissions from 3 submitters: Pathogenic (2); Likely pathogenic (1). Last evaluated 2026-09-03.

Conditions:
Hereditary cancer-predisposing syndrome. Also called: Neoplastic Syndromes, Hereditary; Tumor predisposition; Hereditary neoplastic syndrome; Hereditary Cancer Syndrome. Identifiers: Orphanet 140162, MedGen C0027672, MeSH D009386, MONDO:0015356.
Hereditary pheochromocytoma and paraganglioma. Also called: Hereditary pheochromocytoma-paraganglioma; Hereditary paragangliomas and pheochromocytomas; Hereditary Paraganglioma-Pheochromocytoma Syndromes. Identifiers: Orphanet 29072, MedGen C4274332, MONDO:0017366.

Submissions (3):

Ambry Genetics
Classification: Likely pathogenic for Hereditary cancer-predisposing syndrome. Last evaluated: 2026-09-03. Review status: criteria provided, single submitter. Criteria: Ambry Variant Classification Scheme 2023. Collection method: clinical testing. Allele origin: germline.
Comment: The c.124delG variant, located in coding exon 2 of the SDHAF2 gene, results from a deletion of one nucleotide at nucleotide position 124, causing a translational frameshift with a predicted alternate stop codon (p.D42Ifs*6). The predicted stop codon occurs in the 5&rsquo; end oftheSDHAF2 gene. Premature termination codons in the 5&rsquo; end of a gene have been reported to escape nonsense-mediated mRNAdecay and/or lead to re-initiation (Rivas et al. Science. 2015 May 8;348(6235):666-9; Lindeboom et al. Nat Genet. 2016 Oct;48(10):1112-8; Rhee et al. Sci Rep. 2017 May 10;7(1):1653). Direct evidence for this variant is unavailable, however premature termination codons are typically deleterious in nature. This variant is considered to be rare based on population cohorts in the Genome Aggregation Database (gnomAD). Based on the majority of available evidence to date, this variant is likely to be pathogenic.

CeGaT Center for Human Genetics Tuebingen
Classification: Pathogenic. Last evaluated: 2026-03-01. Review status: criteria provided, single submitter. Criteria: CeGaT Center For Human Genetics Tuebingen Variant Classification Criteria Version 2. Collection method: clinical testing. Allele origin: germline. Affected: yes. Observed: 1 variant allele.
Comment: SDHAF2: PVS1, PM2

Labcorp Genetics (formerly Invitae), Labcorp
Classification: Pathogenic for Hereditary pheochromocytoma and paraganglioma. Last evaluated: 2025-06-08. Review status: criteria provided, single submitter. Criteria: Invitae Variant Classification Sherloc (09022015). Collection method: clinical testing. Allele origin: germline.
Comment: This sequence change creates a premature translational stop signal (p.Asp42Ilefs*6) in the SDHAF2 gene. It is expected to result in an absent or disrupted protein product. Loss-of-function variants in SDHAF2 are known to be pathogenic (PMID: 22241717, 26096992). This variant is not present in population databases (gnomAD no frequency). This variant has not been reported in the literature in individuals affected with SDHAF2-related conditions. ClinVar contains an entry for this variant (Variation ID: 1069215). For these reasons, this variant has been classified as Pathogenic.

Literature cited by the submitters: PubMed 22241717 (cited by Labcorp Genetics (formerly Invitae), Labcorp); PubMed 26096992 (cited by Labcorp Genetics (formerly Invitae), Labcorp).